The following is an entry in ClinVar:

NM_000303.3(PMM2):c.394A>T (p.Ile132Phe)

Gene: PMM2 (phosphomannomutase 2; plus strand). Cytogenetic location: 16p13.2.
Variant type: single nucleotide variant.
Coding change: c.394A>T on transcript NM_000303.3 (MANE Select); coding-DNA position 394, A replaced by T.
Protein change: p.Ile132Phe; replaces isoleucine 132 with phenylalanine.
Molecular consequence: missense variant.
Genome position (GRCh38, 1-based): chr16:8,811,125, A>T. VCF-style: chr16-8811125-A-T. GRCh37 (hg19) VCF-style: chr16-8904982-A-T.
Other names: short protein forms I132F.
Identifiers: ClinVar variation 818203 (VCV000818203.11), dbSNP rs753632453, ClinGen allele CA7894045.

ClinVar aggregate classification (germline): Pathogenic. Review status: criteria provided, multiple submitters, no conflicts (2 of 4 stars). 3 submissions from 3 submitters: Pathogenic (2). 1 of the submissions does not count toward it. Last evaluated 2025-01-16.

Conditions:
PMM2-congenital disorder of glycosylation. Also called: PMM2-CDG; CDG Ia; Congenital disorder of glycosylation, type Ia; JAEKEN SYNDROME; PHOSPHOMANNOMUTASE 2 DEFICIENCY; CARBOHYDRATE-DEFICIENT GLYCOPROTEIN SYNDROME, TYPE Ia. Identifiers: Orphanet 79318, MedGen C0349653, MONDO:0008907, OMIM 212065.

Allele frequency attached by ClinVar (database versions not stated): TOPMed below 0.00001.
gnomAD v4.1: 1 of 1,578,062 alleles (0.000063%); highest among the groups gnomAD compares: Non-Finnish European, 0.000086%; no homozygotes.

Submissions (3):

Women's Health and Genetics/Laboratory Corporation of America, LabCorp
Classification: Pathogenic for PMM2-congenital disorder of glycosylation. Last evaluated: 2025-01-16. Review status: criteria provided, single submitter. Criteria: LabCorp Variant Classification Summary - May 2015. Collection method: clinical testing. Allele origin: germline.
Comment: Variant summary: PMM2 c.394A>T (p.Ile132Phe) results in a non-conservative amino acid change located in the HAD-like domain (IPR036412) of the encoded protein sequence. Five of five in-silico tools predict a damaging effect of the variant on protein function. The frequency data for this variant in gnomAD is considered unreliable, as metrics indicate poor data quality at this position. c.394A>T has been reported in the literature in individuals affected with Congenital Disorder Of Glycosylation Type 1a, as a homozygous genotype or in a compound heterozygous individual carrying a pathogenic variant in trans and variant on the benign spectrum in cis (e.g. LeBizec_2005, Gorlacher_2020). These data indicate that the variant may be associated with disease. A different variant affecting the same codon has been classified as pathogenic by our lab (c.395T>C, p.Ile132Thr), supporting the critical relevance of codon 132 to PMM2 protein function. Multiple publications reports experimental evidence evaluating an impact on protein function (e.g. Gorlacher_2020, LeBizec_2005). The most pronounced variant effect results in <10% of normal enzyme activity in homozygous patient fibroblasts, in addition to reductions in protein and mRNA transcript levels observed (e.g. Gorlacher_2020). This publication also provides evidence the variant leads to exon 5 skipping, resulting in an altered reading frame and premature stop codon. The following publications have been ascertained in the context of this evaluation (PMID: 33209585, 15844218). ClinVar contains an entry for this variant (Variation ID: 818203). Based on the evidence outlined above, the variant was classified as pathogenic.

Labcorp Genetics (formerly Invitae), Labcorp
Classification: Pathogenic for PMM2-congenital disorder of glycosylation. Last evaluated: 2021-12-02. Review status: criteria provided, single submitter. Criteria: Invitae Variant Classification Sherloc (09022015). Collection method: clinical testing. Allele origin: germline.
Comment: This sequence change replaces isoleucine, which is neutral and non-polar, with phenylalanine, which is neutral and non-polar, at codon 132 of the PMM2 protein (p.Ile132Phe). RNA analysis indicates that this missense change induces altered splicing and may result in an absent or disrupted protein product. This variant is not present in population databases (gnomAD no frequency). This missense change has been observed in individual(s) with PMM2-congenital disorder of glycosylation (PMID: 15844218, 33209585). In at least one individual the data is consistent with being in trans (on the opposite chromosome) from a pathogenic variant. ClinVar contains an entry for this variant (Variation ID: 818203). Algorithms developed to predict the effect of missense changes on protein structure and function are either unavailable or do not agree on the potential impact of this missense change (SIFT: "Deleterious"; PolyPhen-2: "Probably Damaging"; Align-GVGD: "Class C15"). Studies have shown that this missense change results in skipping of exon 5 and introduces a premature termination codon (PMID: 33209585). The resulting mRNA is expected to undergo nonsense-mediated decay. For these reasons, this variant has been classified as Pathogenic.

Lab Thiel (Congenital Disorders of Glycosylation), Center for Child and Adolescent Medicine
Classification: Pathogenic for PMM2-congenital disorder of glycosylation. Review status: no assertion criteria provided. Collection method: research. Allele origin: inherited, not applicable. Inheritance: Autosomal recessive inheritance. Affected: yes. Functional consequence: effect on RNA splicing. Not counted in ClinVar's aggregate classification.
Comment: Affects splicing and/or amino acid exchange, leads to reduced expression, reduced activity, thermo instability

Literature cited by the submitters: PubMed 15844218 (cited by Women's Health and Genetics/Laboratory Corporation of America, LabCorp and Labcorp Genetics (formerly Invitae), Labcorp); PubMed 33209585 (cited by Women's Health and Genetics/Laboratory Corporation of America, LabCorp and Labcorp Genetics (formerly Invitae), Labcorp).